The following is an entry in ClinVar:

ClinVar aggregate classification (germline): Pathogenic (1 of 4 stars; one submission).

Submission:

Labcorp Genetics (formerly Invitae), Labcorp
Classification: Pathogenic. Last evaluated: 2025-05-22. Review status: criteria provided, single submitter. Criteria: Invitae Variant Classification Sherloc (09022015). Collection method: clinical testing. Allele origin: germline.
Comment: This sequence change creates a premature translational stop signal (p.Ser4874Leufs*25) in the ADGRV1 gene. It is expected to result in an absent or disrupted protein product. Loss-of-function variants in ADGRV1 are known to be pathogenic (PMID: 19357117, 22135276, 22147658, 26226137, 30718709, 31047384, 32467589). This variant is not present in population databases (gnomAD no frequency). This variant has not been reported in the literature in individuals affected with ADGRV1-related conditions. For these reasons, this variant has been classified as Pathogenic.

Literature cited by the submitters: PubMed 19357117; PubMed 22135276; PubMed 22147658; PubMed 26226137; PubMed 30718709; PubMed 31047384; PubMed 32467589.

NM_032119.4(ADGRV1):c.14621del (p.Ser4874fs)

Gene: ADGRV1 (adhesion G protein-coupled receptor V1; plus strand). Cytogenetic location: 5q14.3.
Variant type: Deletion.
Coding change: c.14621del on transcript NM_032119.4 (MANE Select); coding-DNA position 14621, one base deleted (C; older notation c.14621delC).
Protein change: p.Ser4874fs; shifts the reading frame from serine 4874.
Molecular consequence: frameshift variant. On other transcripts: non-coding transcript variant (1).
Genome position (GRCh38, 1-based): chr5:90,802,842, C deleted. VCF-style (leftmost placement, unchanged base first): chr5-90802841-TC-T. GRCh37 (hg19) VCF-style: chr5-90098658-TC-T.
Other names: short protein forms S4874fs.
Identifiers: ClinVar variation 4693172 (VCV004693172.1).